The following is an entry in ClinVar:

ClinVar aggregate classification (germline): Uncertain significance (1 of 4 stars; one submission).

Submission:

Labcorp Genetics (formerly Invitae), Labcorp
Classification: Uncertain significance. Last evaluated: 2022-12-13. Review status: criteria provided, single submitter. Criteria: Invitae Variant Classification Sherloc (09022015). Collection method: clinical testing. Allele origin: germline.
Comment: This sequence change affects codon 508 of the IKZF1 mRNA. It is a 'silent' change, meaning that it does not change the encoded amino acid sequence of the IKZF1 protein. This variant is not present in population databases (gnomAD no frequency). This variant has not been reported in the literature in individuals affected with IKZF1-related conditions. Experimental studies and prediction algorithms are not available or were not evaluated, and the effect of this variant on mRNA splicing is currently unknown. In summary, the available evidence is currently insufficient to determine the role of this variant in disease. Therefore, it has been classified as a Variant of Uncertain Significance.

NM_006060.6(IKZF1):c.1524C>T (p.His508=)

Gene: IKZF1 (IKAROS family zinc finger 1; plus strand). Cytogenetic location: 7p12.2.
Variant type: single nucleotide variant.
Coding change: c.1524C>T on transcript NM_006060.6 (MANE Select); coding-DNA position 1524, C replaced by T.
Protein change: p.His508=; no amino-acid change (histidine 508 retained).
Molecular consequence: synonymous variant.
Genome position (GRCh38, 1-based): chr7:50,400,591, C>T. VCF-style: chr7-50400591-C-T. GRCh37 (hg19) VCF-style: chr7-50468289-C-T.
Other names: c.1398C>T, p.His466= (NM_001220765.3, NM_001291837.2); c.1233C>T, p.His411= (NM_001220767.2); c.1263C>T, p.His421= (NM_001220768.2, NM_001291838.2); c.1107C>T, p.His369= (NM_001220770.2); c.1095C>T, p.His365= (NM_001220771.2, NM_001291841.1); c.1137C>T, p.His379= (NM_001291839.2); c.834C>T, p.His278= (NM_001291840.1); c.1065C>T, p.His355= (NM_001291842.1); and 3 more.
Identifiers: ClinVar variation 2820547 (VCV002820547.3), dbSNP rs2538953050, ClinGen allele CA454931359.